The following is an entry in ClinVar:

NM_021096.4(CACNA1I):c.5176G>A (p.Val1726Met)

Gene: CACNA1I (calcium voltage-gated channel subunit alpha1 I; plus strand). Cytogenetic location: 22q13.1.
Variant type: single nucleotide variant.
Coding change: c.5176G>A on transcript NM_021096.4 (MANE Select); coding-DNA position 5176, G replaced by A.
Protein change: p.Val1726Met; replaces valine 1726 with methionine.
Molecular consequence: missense variant.
Genome position (GRCh38, 1-based): chr22:39,679,227, G>A. VCF-style: chr22-39679227-G-A. GRCh37 (hg19) VCF-style: chr22-40075232-G-A.
Other names: c.5071G>A, p.Val1691Met (NM_001003406.2); short protein forms V1691M, V1726M.
Identifiers: ClinVar variation 3368810 (VCV003368810.1).
Genomic context (GRCh38, chr22:39,679,227, plus strand): 5'-TCGCCGCTGTACTTCGTGAGCTTCGTGCTCACCGCGCAGTTCGTGCTCATCAACGTGGTG[G>A]TGGCTGTGCTCATGAAGCACCTGGACGACAGCAACAAGGAGGCGCAGGAGGACGCCGAGA-3'
Protein context (NP_066919.2, residues 1716-1736): TAQFVLINVV[Val1726Met]AVLMKHLDDS

ClinVar aggregate classification (germline): Uncertain significance (1 of 4 stars; one submission).

Submission:

GeneDx
Classification: Uncertain significance. Last evaluated: 2024-02-14. Review status: criteria provided, single submitter. Criteria: GeneDx Variant Classification Process June 2021. Collection method: clinical testing. Allele origin: germline. Affected: yes.
Comment: Not observed at significant frequency in large population cohorts (gnomAD); In silico analysis supports that this missense variant has a deleterious effect on protein structure/function; Has not been previously published as pathogenic or benign to our knowledge